The following is an entry in ClinVar:

ClinVar aggregate classification (germline): Uncertain significance (1 of 4 stars; one submission).

Conditions:
Familial cancer of breast. Also called: BREAST CANCER, FAMILIAL; hereditary breast carcinoma; Hereditary breast cancer. Identifiers: Orphanet 227535, MedGen C0346153, MONDO:0016419, OMIM 114480. Disease mechanism: loss of function.
Fanconi anemia complementation group J. Also called: BRIP1-Related Fanconi Anemia. Identifiers: Orphanet 84, MedGen C1836860, MONDO:0012187, OMIM 609054.

Allele frequency attached by ClinVar (database versions not stated): gnomAD exomes below 0.00001.
gnomAD v4.1: 1 of 1,610,678 alleles (0.000062%); highest among the groups gnomAD compares: Non-Finnish European, 0.000085%; no homozygotes.

Submission:

Labcorp Genetics (formerly Invitae), Labcorp
Classification: Uncertain significance for Familial cancer of breast; Fanconi anemia complementation group J. Last evaluated: 2024-08-01. Review status: criteria provided, single submitter. Criteria: Invitae Variant Classification Sherloc (09022015). Collection method: clinical testing. Allele origin: germline.
Comment: This sequence change replaces tyrosine, which is neutral and polar, with cysteine, which is neutral and slightly polar, at codon 455 of the BRIP1 protein (p.Tyr455Cys). This variant is not present in population databases (gnomAD no frequency). This variant has not been reported in the literature in individuals affected with BRIP1-related conditions. ClinVar contains an entry for this variant (Variation ID: 835981). Advanced modeling of protein sequence and biophysical properties (such as structural, functional, and spatial information, amino acid conservation, physicochemical variation, residue mobility, and thermodynamic stability) performed at Invitae indicates that this missense variant is not expected to disrupt BRIP1 protein function with a negative predictive value of 80%. In summary, the available evidence is currently insufficient to determine the role of this variant in disease. Therefore, it has been classified as a Variant of Uncertain Significance.

NM_032043.3(BRIP1):c.1364A>G (p.Tyr455Cys)

Gene: BRIP1 (BRCA1 interacting DNA helicase 1; minus strand). Cytogenetic location: 17q23.2.
Variant type: single nucleotide variant.
Coding change: c.1364A>G on transcript NM_032043.3 (MANE Select); coding-DNA position 1364, A replaced by G.
Protein change: p.Tyr455Cys; replaces tyrosine 455 with cysteine.
Molecular consequence: missense variant.
Genome position (GRCh38, 1-based): chr17:61,793,706, T>C on the plus strand (A>G on the coding strand, the complement: BRIP1 is on the minus strand). VCF-style: chr17-61793706-T-C. GRCh37 (hg19) VCF-style: chr17-59871067-T-C.
Other names: short protein forms Y455C.
Identifiers: ClinVar variation 835981 (VCV000835981.10), dbSNP rs2077856391, ClinGen allele CA400482275.